The following is an entry in ClinVar:

NM_004523.4(KIF11):c.2833G>A (p.Glu945Lys)

Gene: KIF11 (kinesin family member 11; plus strand). Cytogenetic location: 10q23.33.
Variant type: single nucleotide variant.
Coding change: c.2833G>A on transcript NM_004523.4 (MANE Select); coding-DNA position 2833, G replaced by A.
Protein change: p.Glu945Lys; replaces glutamic acid 945 with lysine.
Molecular consequence: missense variant.
Genome position (GRCh38, 1-based): chr10:92,649,897, G>A. VCF-style: chr10-92649897-G-A. GRCh37 (hg19) VCF-style: chr10-94409654-G-A.
Other names: short protein forms E945K.
Identifiers: ClinVar variation 1018538 (VCV001018538.9), dbSNP rs1311755375, ClinGen allele CA377806023.

ClinVar aggregate classification (germline): Uncertain significance. Review status: criteria provided, multiple submitters, no conflicts (2 of 4 stars). 2 submissions from 2 submitters: Uncertain significance (2). Last evaluated 2023-10-03.

Allele frequency attached by ClinVar (database versions not stated): gnomAD 0.00001; TOPMed 0.00001.
gnomAD v4.1: 2 of 1,613,236 alleles (0.00012%); highest among the groups gnomAD compares: African/African-American, 0.0027%; no homozygotes.

Submissions (2):

Labcorp Genetics (formerly Invitae), Labcorp
Classification: Uncertain significance. Last evaluated: 2023-10-03. Review status: criteria provided, single submitter. Criteria: Invitae Variant Classification Sherloc (09022015). Collection method: clinical testing. Allele origin: germline.
Comment: This sequence change replaces glutamic acid, which is acidic and polar, with lysine, which is basic and polar, at codon 945 of the KIF11 protein (p.Glu945Lys). This variant is not present in population databases (gnomAD no frequency). This variant has not been reported in the literature in individuals affected with KIF11-related conditions. ClinVar contains an entry for this variant (Variation ID: 1018538). Advanced modeling of protein sequence and biophysical properties (such as structural, functional, and spatial information, amino acid conservation, physicochemical variation, residue mobility, and thermodynamic stability) performed at Invitae indicates that this missense variant is not expected to disrupt KIF11 protein function. In summary, the available evidence is currently insufficient to determine the role of this variant in disease. Therefore, it has been classified as a Variant of Uncertain Significance.

Breakthrough Genomics
Classification: Uncertain significance. Review status: criteria provided, single submitter. Criteria: ACMG Guidelines, 2015. Collection method: not provided. Allele origin: germline. Inheritance: Autosomal dominant inheritance. Affected: yes.